The following is an entry in ClinVar:

NM_004035.7(ACOX1):c.1678C>A (p.Leu560Met)

Gene: ACOX1 (acyl-CoA oxidase 1; minus strand). Cytogenetic location: 17q25.1.
Variant type: single nucleotide variant.
Coding change: c.1678C>A on transcript NM_004035.7 (MANE Select); coding-DNA position 1678, C replaced by A.
Protein change: p.Leu560Met; replaces leucine 560 with methionine.
Molecular consequence: missense variant.
Genome position (GRCh38, 1-based): chr17:75,949,267, G>T on the plus strand (C>A on the coding strand, the complement: ACOX1 is on the minus strand). VCF-style: chr17-75949267-G-T. GRCh37 (hg19) VCF-style: chr17-73945348-G-T.
Other names: c.1564C>A, p.Leu522Met (NM_001185039.2); c.1678C>A, p.Leu560Met (NM_007292.6); short protein forms L560M, L522M.
Identifiers: ClinVar variation 1387562 (VCV001387562.5), dbSNP rs1419146482, ClinGen allele CA401059873.

ClinVar aggregate classification (germline): Uncertain significance (1 of 4 stars; one submission).

Conditions:
Acyl-CoA oxidase deficiency. Also called: Pseudoneonatal adrenoleukodystrophy; Peroxisomal acyl-CoA oxidase deficiency; STRAIGHT-CHAIN ACYL-CoA OXIDASE DEFICIENCY. Identifiers: Orphanet 2971, MedGen C1849678, MONDO:0009919, OMIM 264470. Disease mechanism: loss of function.

Allele frequency attached by ClinVar (database versions not stated): gnomAD exomes below 0.00001; TOPMed below 0.00001; gnomAD 0.00001.
gnomAD v4.1: 1 of 1,614,194 alleles (0.000062%); highest among the groups gnomAD compares: African/African-American, 0.0013%; no homozygotes.

Submission:

Labcorp Genetics (formerly Invitae), Labcorp
Classification: Uncertain significance for Acyl-CoA oxidase deficiency. Last evaluated: 2021-08-31. Review status: criteria provided, single submitter. Criteria: Invitae Variant Classification Sherloc (09022015). Collection method: clinical testing. Allele origin: germline.
Comment: This sequence change replaces leucine with methionine at codon 560 of the ACOX1 protein (p.Leu560Met). The leucine residue is moderately conserved and there is a small physicochemical difference between leucine and methionine. This variant is not present in population databases (ExAC no frequency). This variant has not been reported in the literature in individuals affected with ACOX1-related conditions. Algorithms developed to predict the effect of missense changes on protein structure and function are either unavailable or do not agree on the potential impact of this missense change (SIFT: "Tolerated"; PolyPhen-2: "Possibly Damaging"; Align-GVGD: "Class C0"). In summary, the available evidence is currently insufficient to determine the role of this variant in disease. Therefore, it has been classified as a Variant of Uncertain Significance.